The following is an entry in ClinVar:

ClinVar aggregate classification (germline): Likely benign (0 of 4 stars; one submission).

Conditions:
MC3R-related disorder. Also called: MC3R-related condition.

Submission:

PreventionGenetics, part of Exact Sciences
Classification: Likely benign for MC3R-related condition. Last evaluated: 2023-04-24. Review status: no assertion criteria provided. Collection method: clinical testing. Allele origin: germline.
Comment: This variant is classified as likely benign based on ACMG/AMP sequence variant interpretation guidelines (Richards et al. 2015 PMID: 25741868, with internal and published modifications).

NM_019888.3(MC3R):c.717G>A (p.Lys239=)

Gene: MC3R (melanocortin 3 receptor; plus strand). Cytogenetic location: 20q13.2.
Variant type: single nucleotide variant.
Coding change: c.717G>A on transcript NM_019888.3 (MANE Select); coding-DNA position 717, G replaced by A.
Protein change: p.Lys239=; no amino-acid change (lysine 239 retained).
Molecular consequence: synonymous variant.
Genome position (GRCh38, 1-based): chr20:56,249,560, G>A. VCF-style: chr20-56249560-G-A. GRCh37 (hg19) VCF-style: chr20-54824616-G-A.
Identifiers: ClinVar variation 3356578 (VCV003356578.1).